The following is an entry in ClinVar:

NM_006147.4(IRF6):c.62G>T (p.Gly21Val)

Gene: IRF6 (interferon regulatory factor 6; minus strand). Cytogenetic location: 1q32.2.
Variant type: single nucleotide variant.
Coding change: c.62G>T on transcript NM_006147.4 (MANE Select); coding-DNA position 62, G replaced by T.
Protein change: p.Gly21Val; replaces glycine 21 with valine.
Molecular consequence: missense variant. On other transcripts: intron variant (1).
Genome position (GRCh38, 1-based): chr1:209,801,352, C>A on the plus strand (G>T on the coding strand, the complement: IRF6 is on the minus strand). VCF-style: chr1-209801352-C-A. GRCh37 (hg19) VCF-style: chr1-209974697-C-A.
Other names: c.-112+4595G>T (NM_001206696.2); short protein forms G21V.
Identifiers: ClinVar variation 4856701 (VCV004856701.1).
Genomic context (GRCh38, chr1:209,801,352, plus strand): 5'-TTCCAGGGAATCTGGAAGCGTTTAGAGTCCCTGTGTAGCCAGATGAGCCCAGGGTAGAGG[C>A]CACTATCCACCTGGGCCACCAGCCAGGGCTTTAGCCGGACTCTGCGGGGGTGGAGGGCCA-3'
Protein context (NP_006138.1, residues 11-31): KPWLVAQVDS[Gly21Val]LYPGLIWLHR

ClinVar aggregate classification (germline): Likely pathogenic (1 of 4 stars; one submission).

Conditions:
Van der Woude syndrome. Identifiers: Orphanet 888, MedGen C0175697, MONDO:0019508.

Submission:

Genetics Laboratory, Great Ormond Street Hospital NHS Foundation Trust, North Thames Genomic Laboratory Hub
Classification: Likely pathogenic for Van der Woude syndrome. Last evaluated: 2026-04-24. Review status: criteria provided, single submitter. Criteria: ACGS Best Practice Guidelines for Variant Classification in Rare Disease 2024 v1.2. Collection method: clinical testing. Allele origin: germline. Affected: yes.
Comment: PS4_supporting, PM2_moderate, PM1_supporting, PP2_supporting, PP4_supporting